The following is an entry in ClinVar:

ClinVar aggregate classification (germline): Uncertain significance (1 of 4 stars; one submission).

Conditions:
Familial adenomatous polyposis 1 (FAP1). Also called: FAMILIAL ADENOMATOUS POLYPOSIS 1, ATTENUATED; POLYPOSIS, ADENOMATOUS INTESTINAL. Identifiers: MedGen C2713442, MONDO:0021056, OMIM 175100. Disease mechanism: loss of function.

Submission:

Labcorp Genetics (formerly Invitae), Labcorp
Classification: Uncertain significance for Familial adenomatous polyposis 1. Last evaluated: 2023-11-14. Review status: criteria provided, single submitter. Criteria: Invitae Variant Classification Sherloc (09022015). Collection method: clinical testing. Allele origin: germline.
Comment: This variant occurs in a non-coding region of the APC gene. It does not change the encoded amino acid sequence of the APC protein. This variant is not present in population databases (gnomAD no frequency). This variant has not been reported in the literature in individuals affected with APC-related conditions. Experimental studies and prediction algorithms are not available or were not evaluated, and the functional significance of this variant is currently unknown. In summary, the available evidence is currently insufficient to determine the role of this variant in disease. Therefore, it has been classified as a Variant of Uncertain Significance.

NC_000005.10:g.112707423A>C

Gene: APC (APC regulator of Wnt signaling pathway; plus strand). Cytogenetic location: 5q22.2.
Variant type: single nucleotide variant.
Genome position: GRCh38 VCF-style: chr5-112707423-A-C. GRCh37 (hg19) VCF-style: chr5-112043120-A-C.
Identifiers: ClinVar variation 1372761 (VCV001372761.6), dbSNP rs2149628636, ClinGen allele CA2573138756.